The following is an entry in ClinVar:

ClinVar aggregate classification (germline): Conflicting classifications of pathogenicity. Review status: criteria provided, conflicting classifications (1 of 4 stars). 3 submissions from 3 submitters: Uncertain significance (2); Likely benign (1). Last evaluated 2025-03-31.

Conditions:
Hereditary breast ovarian cancer syndrome. Also called: Hereditary breast and ovarian cancer syndrome (HBOC); Breast and ovarian cancer; BRCA1- and BRCA2-Associated Hereditary Breast and Ovarian Cancer; Hereditary breast and/or ovarian cancer syndrome; Hereditary breast and ovarian cancer syndrome; Hereditary breast and ovarian cancer. Identifiers: Orphanet 145, MedGen C0677776, MeSH D061325, MONDO:0003582. Disease mechanism: loss of function.
Hereditary cancer-predisposing syndrome. Also called: Tumor predisposition; Hereditary neoplastic syndrome; Neoplastic Syndromes, Hereditary; Hereditary Cancer Syndrome. Identifiers: Orphanet 140162, MedGen C0027672, MeSH D009386, MONDO:0015356.

Submissions (3):

Ambry Genetics
Classification: Uncertain significance for Hereditary cancer-predisposing syndrome. Last evaluated: 2025-03-31. Review status: criteria provided, single submitter. Criteria: Ambry Variant Classification Scheme 2023. Collection method: clinical testing. Allele origin: germline.
Comment: The p.E443G variant (also known as c.1328A>G), located in coding exon 9 of the BRCA2 gene, results from an A to G substitution at nucleotide position 1328. The glutamic acid at codon 443 is replaced by glycine, an amino acid with similar properties. This amino acid position is well conserved in available vertebrate species. In addition, this alteration is predicted to be tolerated by in silico analysis. Since supporting evidence is limited at this time, the clinical significance of this alteration remains unclear.

University of Washington Department of Laboratory Medicine, University of Washington
Classification: Likely benign for Hereditary cancer-predisposing syndrome. Last evaluated: 2023-03-23. Review status: criteria provided, single submitter. Criteria: Dines et al. (Genet Med. 2020). Collection method: curation. Allele origin: germline.
Comment: Missense variant in a coldspot region where missense variants are very unlikely to be pathogenic (PMID:31911673).

BRCA2 exon 10 coldspot. Reclassification based on statistical prior probability.

Labcorp Genetics (formerly Invitae), Labcorp
Classification: Uncertain significance for Hereditary breast ovarian cancer syndrome. Last evaluated: 2022-04-07. Review status: criteria provided, single submitter. Criteria: Invitae Variant Classification Sherloc (09022015). Collection method: clinical testing. Allele origin: germline.
Comment: This sequence change replaces glutamic acid, which is acidic and polar, with glycine, which is neutral and non-polar, at codon 443 of the BRCA2 protein (p.Glu443Gly). This variant is not present in population databases (gnomAD no frequency). This variant has not been reported in the literature in individuals affected with BRCA2-related conditions. ClinVar contains an entry for this variant (Variation ID: 818941). Advanced modeling of protein sequence and biophysical properties (such as structural, functional, and spatial information, amino acid conservation, physicochemical variation, residue mobility, and thermodynamic stability) performed at Invitae indicates that this missense variant is not expected to disrupt BRCA2 protein function. In summary, the available evidence is currently insufficient to determine the role of this variant in disease. Therefore, it has been classified as a Variant of Uncertain Significance.

NM_000059.4(BRCA2):c.1328A>G (p.Glu443Gly)

Gene: BRCA2 (BRCA2 DNA repair associated; plus strand). Cytogenetic location: 13q13.1.
Variant type: single nucleotide variant.
Coding change: c.1328A>G on transcript NM_000059.4 (MANE Select); coding-DNA position 1328, A replaced by G.
Protein change: p.Glu443Gly; replaces glutamic acid 443 with glycine.
Molecular consequence: missense variant.
Genome position (GRCh38, 1-based): chr13:32,332,806, A>G. VCF-style: chr13-32332806-A-G. GRCh37 (hg19) VCF-style: chr13-32906943-A-G.
Other names: short protein forms E443G.
Identifiers: ClinVar variation 818941 (VCV000818941.11), dbSNP rs1593892542, ClinGen allele CA387762668.